The following is an entry in ClinVar:

NM_139343.3(BIN1):c.1002+163T>C

Gene: BIN1 (bridging integrator 1; minus strand). Cytogenetic location: 2q14.3.
Variant type: single nucleotide variant.
Coding change: c.1002+163T>C on transcript NM_139343.3 (MANE Select); 163 bases into the intron after coding-DNA position 1002, T replaced by C.
Molecular consequence: intron variant.
Genome position (GRCh38, 1-based): chr2:127,058,848, A>G on the plus strand (T>C on the coding strand, the complement: BIN1 is on the minus strand). VCF-style: chr2-127058848-A-G. GRCh37 (hg19) VCF-style: chr2-127816424-A-G.
Other names: c.921+163T>C (NM_001320642.1); c.837+163T>C (NM_001320634.1); c.909+163T>C (NM_139351.3, NM_139350.3, NM_139349.3 and 3 more transcripts); c.954+163T>C (NM_001320632.2, NM_004305.4, NM_139346.3); c.1002+163T>C (NM_001320633.2, NM_139345.3, NM_139344.3 and 1 more transcripts).
Identifiers: ClinVar variation 678144 (VCV000678144.4), dbSNP rs2276582, ClinGen allele CA11082048.

ClinVar aggregate classification (germline): Benign. Review status: criteria provided, multiple submitters, no conflicts (2 of 4 stars). 2 submissions from 2 submitters: Benign (2). Last evaluated 2021-07-14.

Conditions:
Myopathy, centronuclear, 2 (CNM2). Also called: MYOTUBULAR MYOPATHY, AUTOSOMAL RECESSIVE. Identifiers: Orphanet 169186, MedGen CN031787, MONDO:0009709, OMIM 255200.

Allele frequency attached by ClinVar (database versions not stated): gnomAD 0.53064 and 0.53506; 1000 Genomes Project 30x 0.58198; 1000 Genomes Project 0.57368; TOPMed 0.54202.

Submissions (2):

Genome-Nilou Lab
Classification: Benign for Myopathy, centronuclear, 2. Last evaluated: 2021-07-14. Review status: criteria provided, single submitter. Criteria: ACMG Guidelines, 2015. Collection method: clinical testing. Allele origin: germline. Affected: no.

GeneDx
Classification: Benign. Last evaluated: 2018-06-14. Review status: criteria provided, single submitter. Criteria: GeneDx Variant Classification (06012015). Collection method: clinical testing. Allele origin: germline. Affected: yes.
Comment: This variant is considered likely benign or benign based on one or more of the following criteria: it is a conservative change, it occurs at a poorly conserved position in the protein, it is predicted to be benign by multiple in silico algorithms, and/or has population frequency not consistent with disease.